The following is an entry in ClinVar:

NM_007325.5(GRIA3):c.2126C>T (p.Ala709Val)

Gene: GRIA3 (glutamate ionotropic receptor AMPA type subunit 3; plus strand). Cytogenetic location: Xq25.
Variant type: single nucleotide variant.
Coding change: c.2126C>T on transcript NM_007325.5 (MANE Select); coding-DNA position 2126, C replaced by T.
Protein change: p.Ala709Val; replaces alanine 709 with valine.
Molecular consequence: missense variant.
Genome position (GRCh38, 1-based): chrX:123,464,914, C>T. VCF-style: chrX-123464914-C-T. GRCh37 (hg19) VCF-style: chrX-122598765-C-T.
Other names: c.2126C>T, p.Ala709Val (NM_000828.5); short protein forms A709V.
Identifiers: ClinVar variation 2573562 (VCV002573562.1), dbSNP rs375645012, ClinGen allele CA10507143.

ClinVar aggregate classification (germline): Uncertain significance (1 of 4 stars; one submission).

Allele frequency attached by ClinVar (database versions not stated): gnomAD exomes below 0.00001; ExAC 0.00001; gnomAD 0.00001; ESP Exome Variant Server 0.00009.
gnomAD v4.1: 4 of 1,204,298 alleles (0.00033%); highest among the groups gnomAD compares: South Asian, 0.0035%; no homozygotes.

Submission:

Women's Health and Genetics/Laboratory Corporation of America, LabCorp
Classification: Uncertain significance. Last evaluated: 2023-06-19. Review status: criteria provided, single submitter. Criteria: LabCorp Variant Classification Summary - May 2015. Collection method: clinical testing. Allele origin: germline.
Comment: Variant summary: GRIA3 c.2126C>T (p.Ala709Val) results in a non-conservative amino acid change located in the Ionotropic glutamate receptor, C-terminal (IPR001320) of the encoded protein sequence. Three of five in-silico tools predict a damaging effect of the variant on protein function. The variant was absent in 183024 control chromosomes. The available data on variant occurrences in the general population are insufficient to allow any conclusion about variant significance. To our knowledge, no occurrence of c.2126C>T in individuals affected with Syndromic X-Linked Intellectual Disability 94 and no experimental evidence demonstrating its impact on protein function have been reported. No submitters have cited clinical-significance assessments for this variant to ClinVar after 2014. Based on the evidence outlined above, the variant was classified as uncertain significance.